The following is an entry in ClinVar:

ClinVar aggregate classification (germline): Likely benign (1 of 4 stars; one submission).

Allele frequency attached by ClinVar (database versions not stated): 1000 Genomes Project 0.00040; 1000 Genomes Project 30x 0.00047; gnomAD 0.00213; TOPMed 0.00233; ExAC 0.00249; ESP Exome Variant Server 0.00284; gnomAD exomes 0.00322.
gnomAD v4.1: 4,996 of 1,614,086 alleles (0.31%); highest among the groups gnomAD compares: Non-Finnish European, 0.39%; 14 homozygotes.

Submission:

CeGaT Center for Human Genetics Tuebingen
Classification: Likely benign. Last evaluated: 2023-02-01. Review status: criteria provided, single submitter. Criteria: CeGaT Center For Human Genetics Tuebingen Variant Classification Criteria Version 2. Collection method: clinical testing. Allele origin: germline. Affected: yes. Observed: 1 variant allele.
Comment: MAGI3: BS2

NM_001142782.2(MAGI3):c.2303G>A (p.Arg768His)

Gene: MAGI3 (membrane associated guanylate kinase, WW and PDZ domain containing 3; plus strand). Cytogenetic location: 1p13.2.
Variant type: single nucleotide variant.
Coding change: c.2303G>A on transcript NM_001142782.2 (MANE Select); coding-DNA position 2303, G replaced by A.
Protein change: p.Arg768His; replaces arginine 768 with histidine.
Molecular consequence: missense variant.
Genome position (GRCh38, 1-based): chr1:113,651,069, G>A. VCF-style: chr1-113651069-G-A. GRCh37 (hg19) VCF-style: chr1-114193691-G-A.
Other names: c.2303G>A, p.Arg768His (NM_152900.3); short protein forms R768H.
Identifiers: ClinVar variation 2639000 (VCV002639000.24), dbSNP rs142998380, ClinGen allele CA1013025.